The following is an entry in ClinVar:

ClinVar aggregate classification (germline): Conflicting classifications of pathogenicity. Review status: criteria provided, conflicting classifications (1 of 4 stars). 4 submissions from 4 submitters: Uncertain significance (3); Likely benign (1). Last evaluated 2025-11-19.

Conditions:
Cardiovascular phenotype. Identifiers: MedGen CN230736.
Hereditary cancer-predisposing syndrome. Also called: Hereditary neoplastic syndrome; Neoplastic Syndromes, Hereditary; Tumor predisposition; Hereditary Cancer Syndrome. Identifiers: Orphanet 140162, MedGen C0027672, MeSH D009386, MONDO:0015356.
Juvenile myelomonocytic leukemia (JMML). Also called: LEUKEMIA, JUVENILE MYELOMONOCYTIC, SOMATIC. Identifiers: Orphanet 86834, MedGen C0349639, MONDO:0011908, OMIM 607785, HP:0012209.
Neurofibromatosis, type 1 (NF1). Also called: VON RECKLINGHAUSEN DISEASE; Peripheral type neurofibromatosis; NEUROFIBROMATOSIS, TYPE I, SOMATIC; Neurofibromatosis, type I. Identifiers: Orphanet 636, MedGen C0027831, MONDO:0018975, OMIM 162200. Disease mechanism: loss of function.

gnomAD v4.1: 1 of 1,613,818 alleles (0.000062%); no homozygotes.

Submissions (4):

Labcorp Genetics (formerly Invitae), Labcorp
Classification: Likely benign for Neurofibromatosis, type 1. Last evaluated: 2025-11-19. Review status: criteria provided, single submitter. Criteria: Invitae Variant Classification Sherloc (09022015). Collection method: clinical testing. Allele origin: germline.

Ambry Genetics
Classification: Uncertain significance for Cardiovascular phenotype; Hereditary cancer-predisposing syndrome. Last evaluated: 2025-01-15. Review status: criteria provided, single submitter. Criteria: Ambry Variant Classification Scheme 2023. Collection method: clinical testing. Allele origin: germline.
Comment: The p.S942T variant (also known as c.2825G>C), located in coding exon 21 of the NF1 gene, results from a G to C substitution at nucleotide position 2825. The serine at codon 942 is replaced by threonine, an amino acid with similar properties. This amino acid position is well conserved in available vertebrate species. In addition, this alteration is predicted to be tolerated by in silico analysis. Based on the available evidence, the clinical significance of this variant remains unclear.

Baylor Genetics
Classification: Uncertain significance for Juvenile myelomonocytic leukemia. Last evaluated: 2024-02-05. Review status: criteria provided, single submitter. Criteria: ACMG Guidelines, 2015. Collection method: clinical testing. Allele origin: unknown.

Genome-Nilou Lab
Classification: Uncertain significance for Neurofibromatosis, type 1. Last evaluated: 2022-03-15. Review status: criteria provided, single submitter. Criteria: ACMG Guidelines, 2015. Collection method: clinical testing. Allele origin: germline. Affected: no.

NM_001042492.3(NF1):c.2825G>C (p.Ser942Thr)

Gene: NF1 (neurofibromin 1; plus strand). Cytogenetic location: 17q11.2.
Variant type: single nucleotide variant.
Coding change: c.2825G>C on transcript NM_001042492.3 (MANE Select); coding-DNA position 2825, G replaced by C.
Protein change: p.Ser942Thr; replaces serine 942 with threonine.
Molecular consequence: missense variant.
Genome position (GRCh38, 1-based): chr17:31,229,440, G>C. VCF-style: chr17-31229440-G-C. GRCh37 (hg19) VCF-style: chr17-29556458-G-C.
Other names: c.2825G>C, p.Ser942Thr (NM_000267.4); short protein forms S942T.
Identifiers: ClinVar variation 481951 (VCV000481951.17), dbSNP rs1555614350, ClinGen allele CA398985808.
Genomic context (GRCh38, chr17:31,229,440, plus strand): 5'-GTCTAGAATTGAGTCCTGCTCTGTATCCAATGCTATTTAACAAATTGAAGAATACCATCA[G>C]CAAGTTTTTTGACTCCCAAGGACAGGTAAAGTGTTCTCTTATTTTTCACCTTTCTCTATG-3'
Protein context (NP_001035957.1, residues 932-952): MLFNKLKNTI[Ser942Thr]KFFDSQGQVL